The following is an entry in ClinVar:

NM_003200.5(TCF3):c.505C>A (p.Gln169Lys)

Gene: TCF3 (transcription factor 3; minus strand). Cytogenetic location: 19p13.3.
Variant type: single nucleotide variant.
Coding change: c.505C>A on transcript NM_003200.5 (MANE Select); coding-DNA position 505, C replaced by A.
Protein change: p.Gln169Lys; replaces glutamine 169 with lysine.
Molecular consequence: missense variant.
Genome position (GRCh38, 1-based): chr19:1,623,995, G>T on the plus strand (C>A on the coding strand, the complement: TCF3 is on the minus strand). VCF-style: chr19-1623995-G-T. GRCh37 (hg19) VCF-style: chr19-1623994-G-T.
Other names: c.505C>A, p.Gln169Lys (NM_001136139.4, NM_001351778.2, NM_001351779.2); short protein forms Q169K.
Identifiers: ClinVar variation 1957138 (VCV001957138.5), dbSNP rs1043017846, ClinGen allele CA304104103.
Genomic context (GRCh38, chr19:1,623,995, plus strand): 5'-CCCTCGTGCGACTCACCGAGGATGGAAGACCCGGCGGGACCTTCCGGACCTTCTTGGGCT[G>T]CGTGTCTGTTAGAAGCAAAAGGGGTGAGAACCGGCCACCGGCCATGAGAACAACCCCTGC-3'
Protein context (NP_003191.1, residues 159-179): RRAADGSLDT[Gln169Lys]PKKVRKVPPG

ClinVar aggregate classification (germline): Uncertain significance (1 of 4 stars; one submission).

Allele frequency attached by ClinVar (database versions not stated): gnomAD 0.00001; gnomAD exomes 0.00001; TOPMed 0.00001.
gnomAD v4.1: 14 of 1,613,352 alleles (0.00087%); highest among the groups gnomAD compares: Non-Finnish European, 0.0012%; no homozygotes.

Submission:

Labcorp Genetics (formerly Invitae), Labcorp
Classification: Uncertain significance. Last evaluated: 2024-03-23. Review status: criteria provided, single submitter. Criteria: Invitae Variant Classification Sherloc (09022015). Collection method: clinical testing. Allele origin: germline.
Comment: This sequence change replaces glutamine, which is neutral and polar, with lysine, which is basic and polar, at codon 169 of the TCF3 protein (p.Gln169Lys). This variant is present in population databases (no rsID available, gnomAD 0.0009%). This variant has not been reported in the literature in individuals affected with TCF3-related conditions. ClinVar contains an entry for this variant (Variation ID: 1957138). Advanced modeling of protein sequence and biophysical properties (such as structural, functional, and spatial information, amino acid conservation, physicochemical variation, residue mobility, and thermodynamic stability) performed at Invitae indicates that this missense variant is not expected to disrupt TCF3 protein function with a negative predictive value of 80%. In summary, the available evidence is currently insufficient to determine the role of this variant in disease. Therefore, it has been classified as a Variant of Uncertain Significance.